The following is an entry in ClinVar:

NM_006060.6(IKZF1):c.558C>T (p.Asp186=)

Gene: IKZF1 (IKAROS family zinc finger 1; plus strand). Cytogenetic location: 7p12.2.
Variant type: single nucleotide variant.
Coding change: c.558C>T on transcript NM_006060.6 (MANE Select); coding-DNA position 558, C replaced by T.
Protein change: p.Asp186=; no amino-acid change (aspartic acid 186 retained).
Molecular consequence: synonymous variant. On other transcripts: intron variant (6).
Genome position (GRCh38, 1-based): chr7:50,382,676, C>T. VCF-style: chr7-50382676-C-T. GRCh37 (hg19) VCF-style: chr7-50450374-C-T.
Other names: c.558C>T, p.Asp186= (NM_001220765.3, NM_001220768.2, NM_001291837.2); c.297C>T, p.Asp99= (NM_001220767.2, NM_001220770.2, NM_001291838.2 and 1 more transcripts); c.421+5883C>T (NM_001220771.2); c.161-4669C>T (NM_001291841.1, NM_001291842.1); c.161-9053C>T (NM_001291843.1, NM_001291844.1); c.161-17242C>T (NM_001291840.1).
Identifiers: ClinVar variation 1337511 (VCV001337511.11), dbSNP rs368759855, ClinGen allele CA4261318.

ClinVar aggregate classification (germline): Likely benign. Review status: criteria provided, multiple submitters, no conflicts (2 of 4 stars). 4 submissions from 4 submitters: Likely benign (3). 1 of the submissions does not count toward it. Last evaluated 2025-10-21.

Conditions:
IKZF1-related disorder. Also called: IKZF1-related condition.

Allele frequency attached by ClinVar (database versions not stated): gnomAD exomes 0.00002 and 0.00005; ExAC 0.00007; gnomAD 0.00011; TOPMed 0.00015; ESP Exome Variant Server 0.00024; 1000 Genomes Project 0.00040; 1000 Genomes Project 30x 0.00047.
gnomAD v4.1: 46 of 1,610,904 alleles (0.0029%); highest among the groups gnomAD compares: African/African-American, 0.04%; no homozygotes.

Submissions (4):

Labcorp Genetics (formerly Invitae), Labcorp
Classification: Likely benign. Last evaluated: 2025-10-21. Review status: criteria provided, single submitter. Criteria: Invitae Variant Classification Sherloc (09022015). Collection method: clinical testing. Allele origin: germline.

Blueprint Genetics
Classification: Likely benign. Last evaluated: 2024-08-06. Review status: criteria provided, single submitter. Criteria: ACMG Guidelines, 2015. Collection method: clinical testing. Allele origin: germline.

Genetic Services Laboratory, University of Chicago
Classification: Likely benign. Last evaluated: 2019-12-31. Review status: criteria provided, single submitter. Criteria: ACMG Guidelines, 2015. Collection method: clinical testing. Allele origin: germline. Affected: no.

PreventionGenetics, part of Exact Sciences
Classification: Likely benign for IKZF1-related condition. Last evaluated: 2020-09-02. Review status: no assertion criteria provided. Collection method: clinical testing. Allele origin: germline. Not counted in ClinVar's aggregate classification.
Comment: This variant is classified as likely benign based on ACMG/AMP sequence variant interpretation guidelines (Richards et al. 2015 PMID: 25741868, with internal and published modifications).